The following is an entry in ClinVar:

NM_006766.5(KAT6A):c.5736T>G (p.Asn1912Lys)

Gene: KAT6A (lysine acetyltransferase 6A; minus strand). Cytogenetic location: 8p11.21.
Variant type: single nucleotide variant.
Coding change: c.5736T>G on transcript NM_006766.5 (MANE Select); coding-DNA position 5736, T replaced by G.
Protein change: p.Asn1912Lys; replaces asparagine 1912 with lysine.
Molecular consequence: missense variant.
Genome position (GRCh38, 1-based): chr8:41,932,484, A>C on the plus strand (T>G on the coding strand, the complement: KAT6A is on the minus strand). VCF-style: chr8-41932484-A-C. GRCh37 (hg19) VCF-style: chr8-41790002-A-C.
Other names: c.5736T>G (NM_006766.3); short protein forms N1912K.
Identifiers: ClinVar variation 818162 (VCV000818162.3), dbSNP rs758279337, ClinGen allele CA371060593.

ClinVar aggregate classification (germline): Uncertain significance (1 of 4 stars; one submission).

Conditions:
Autosomal dominant intellectual disability-craniofacial anomalies-cardiac defects syndrome (ARTHS). Also called: KAT6A syndrome; Mental retardation, autosomal dominant 32; Arboleda-Tham syndrome. Identifiers: Orphanet 457193, MedGen C4225396, MONDO:0014558, OMIM 616268.
Inborn genetic diseases. Identifiers: MedGen C0950123, MeSH D030342.

Submission:

Ambry Genetics
Classification: Uncertain significance for Inborn genetic diseases. Last evaluated: 2025-03-03. Review status: criteria provided, single submitter. Criteria: Ambry Variant Classification Scheme 2023. Collection method: clinical testing. Allele origin: germline.